The following is an entry in ClinVar:

ClinVar aggregate classification (germline): Uncertain significance (1 of 4 stars; one submission).

Submission:

GeneDx
Classification: Uncertain significance. Last evaluated: 2021-06-16. Review status: criteria provided, single submitter. Criteria: GeneDx Variant Classification Process June 2021. Collection method: clinical testing. Allele origin: germline. Affected: yes.
Comment: Not observed at significant frequency in large population cohorts (Lek et al., 2016); In silico analysis supports that this missense variant has a deleterious effect on protein structure/function; Has not been previously published as pathogenic or benign to our knowledge; This variant is associated with the following publications: (PMID: 27535533, 19896112, 21424692)

NM_001330078.2(NRXN1):c.2950A>G (p.Asn984Asp)

Gene: NRXN1 (neurexin 1; minus strand). Cytogenetic location: 2p16.3.
Variant type: single nucleotide variant.
Coding change: c.2950A>G on transcript NM_001330078.2 (MANE Select); coding-DNA position 2950, A replaced by G.
Protein change: p.Asn984Asp; replaces asparagine 984 with aspartic acid.
Molecular consequence: missense variant.
Genome position (GRCh38, 1-based): chr2:50,496,025, T>C on the plus strand (A>G on the coding strand, the complement: NRXN1 is on the minus strand). VCF-style: chr2-50496025-T-C. GRCh37 (hg19) VCF-style: chr2-50723163-T-C.
Other names: c.3070A>G, p.Asn1024Asp (NM_001135659.3); c.2926A>G, p.Asn976Asp (NM_001330077.2, NM_001330082.2); c.2884A>G, p.Asn962Asp (NM_001330083.2, NM_001330084.2); c.2923A>G, p.Asn975Asp (NM_001330085.2); c.2950A>G, p.Asn984Asp (NM_001330086.2, NM_004801.6); c.2839A>G, p.Asn947Asp (NM_001330087.2, NM_001330096.2); c.2869A>G, p.Asn957Asp (NM_001330088.2); c.2947A>G, p.Asn983Asp (NM_001330093.2); and 2 more; short protein forms N1024D, N947D, N957D, N962D, N967D, N975D, N976D, N980D.
Identifiers: ClinVar variation 1315837 (VCV001315837.2), dbSNP rs2104907604, ClinGen allele CA346776500.
Genomic context (GRCh38, chr2:50,496,025, plus strand): 5'-TTACAGTGTGGAGGTTGCTGGTGTCCCTTGATATCATCACGTTGTGCCACTGATTGTCAT[T>C]GAGAGGTTTATTTGAGCTTCCTTTGATGAGGTTAGCACCATTTCCCAAATCAAACACGTA-3'
Protein context (NP_001317007.1, residues 974-994): LIKGSSNKPL[Asn984Asp]DNQWHNVMIS